The following is an entry in ClinVar:

NM_206933.4(USH2A):c.10014A>T (p.Ser3338=)

Gene: USH2A (usherin; minus strand). Cytogenetic location: 1q41.
Variant type: single nucleotide variant.
Coding change: c.10014A>T on transcript NM_206933.4 (MANE Select); coding-DNA position 10014, A replaced by T.
Protein change: p.Ser3338=; no amino-acid change (serine 3338 retained).
Molecular consequence: synonymous variant.
Genome position (GRCh38, 1-based): chr1:215,790,227, T>A on the plus strand (A>T on the coding strand, the complement: USH2A is on the minus strand). VCF-style: chr1-215790227-T-A. GRCh37 (hg19) VCF-style: chr1-215963569-T-A.
Other names: c.10014A>T (NM_206933.2).
Identifiers: ClinVar variation 1641673 (VCV001641673.9), dbSNP rs1388187983, ClinGen allele CA423314259.
Genomic context (GRCh38, chr1:215,790,227, plus strand): 5'-GCATTTTACTGGCACCGGGTCATTCTTTTTAATATGTGCTTTAGACTCTCCACTGGAAGC[T>A]GAGCAGCATATGGTATCTGACATATTCACATAATCCTGCCCACAACAGAACATACCTGCA-3'
Protein context (NP_996816.3, residues 3328-3348): YVNMSDTICC[Ser3338=]ASSGESKAHI

ClinVar aggregate classification (germline): Likely benign. Review status: criteria provided, multiple submitters, no conflicts (2 of 4 stars). 2 submissions from 2 submitters: Likely benign (2). Last evaluated 2025-08-09.

Conditions:
USH2A-related disorder. Also called: USH2A-related disorders; USH2A-related condition. Identifiers: MedGen CN239332.

Allele frequency attached by ClinVar (database versions not stated): gnomAD exomes below 0.00001 and 0.00001.
gnomAD v4.1: 3 of 1,614,130 alleles (0.00019%); highest among the groups gnomAD compares: South Asian, 0.0011%; no homozygotes.

Submissions (2):

PreventionGenetics, part of Exact Sciences
Classification: Likely benign for USH2A-related condition. Last evaluated: 2025-08-09. Review status: criteria provided, single submitter. Criteria: ACMG Guidelines, 2015. Collection method: clinical testing. Allele origin: germline.
Comment: This variant is classified as likely benign based on ACMG/AMP sequence variant interpretation guidelines (Richards et al. 2015 PMID: 25741868, with internal and published modifications).

Labcorp Genetics (formerly Invitae), Labcorp
Classification: Likely benign. Last evaluated: 2025-03-17. Review status: criteria provided, single submitter. Criteria: Invitae Variant Classification Sherloc (09022015). Collection method: clinical testing. Allele origin: germline.